The following is an entry in ClinVar:

ClinVar aggregate classification (germline): Pathogenic (1 of 4 stars; one submission).

Conditions:
Nemaline myopathy 2 (NEM2). Also called: Nemaline myopathy 2, autosomal recessive. Identifiers: MedGen C1850569, MONDO:0009725, OMIM 256030.

Submission:

Labcorp Genetics (formerly Invitae), Labcorp
Classification: Pathogenic for Nemaline myopathy 2. Last evaluated: 2023-04-03. Review status: criteria provided, single submitter. Criteria: Invitae Variant Classification Sherloc (09022015). Collection method: clinical testing. Allele origin: germline.
Comment: This sequence change creates a premature translational stop signal (p.Gln487*) in the NEB gene. It is expected to result in an absent or disrupted protein product. Loss-of-function variants in NEB are known to be pathogenic (PMID: 25205138). This variant is not present in population databases (gnomAD no frequency). This variant has not been reported in the literature in individuals affected with NEB-related conditions. For these reasons, this variant has been classified as Pathogenic.

Literature cited by the submitters: PubMed 25205138.

NM_001164508.2(NEB):c.1459C>T (p.Gln487Ter)

Gene: NEB (nebulin; minus strand). Cytogenetic location: 2q23.3.
Variant type: single nucleotide variant.
Coding change: c.1459C>T on transcript NM_001164508.2 (MANE Select); coding-DNA position 1459, C replaced by T.
Protein change: p.Gln487Ter; replaces glutamine 487 with a stop codon.
Molecular consequence: nonsense.
Genome position (GRCh38, 1-based): chr2:151,697,159, G>A on the plus strand (C>T on the coding strand, the complement: NEB is on the minus strand). VCF-style: chr2-151697159-G-A. GRCh37 (hg19) VCF-style: chr2-152553673-G-A.
Other names: c.1459C>T, p.Gln487Ter (NM_001164507.2, NM_001271208.2, NM_004543.5); short protein forms Q487*.
Identifiers: ClinVar variation 2851636 (VCV002851636.3), dbSNP rs2552269893, ClinGen allele CA348825313.